The following is an entry in ClinVar:

ClinVar aggregate classification (germline): Uncertain significance (1 of 4 stars; one submission).

Conditions:
Cardiovascular phenotype. Identifiers: MedGen CN230736.

Submission:

Ambry Genetics
Classification: Uncertain significance for Cardiovascular phenotype. Last evaluated: 2024-01-08. Review status: criteria provided, single submitter. Criteria: Ambry Variant Classification Scheme 2023. Collection method: clinical testing. Allele origin: germline.
Comment: The p.R2170G variant (also known as c.6508C>G), located in coding exon 17 of the TNXB gene, results from a C to G substitution at nucleotide position 6508. The arginine at codon 2170 is replaced by glycine, an amino acid with dissimilar properties. This amino acid position is conserved. In addition, this alteration is predicted to be tolerated by in silico analysis. Since supporting evidence is limited at this time, the clinical significance of this alteration remains unclear.

NM_001365276.2(TNXB):c.6508C>G (p.Arg2170Gly)

Gene: TNXB (tenascin XB; minus strand). Cytogenetic location: 6p21.33.
Variant type: single nucleotide variant.
Coding change: c.6508C>G on transcript NM_001365276.2 (MANE Select); coding-DNA position 6508, C replaced by G.
Protein change: p.Arg2170Gly; replaces arginine 2170 with glycine.
Molecular consequence: missense variant.
Genome position (GRCh38, 1-based): chr6:32,067,697, G>C on the plus strand (C>G on the coding strand, the complement: TNXB is on the minus strand). VCF-style: chr6-32067697-G-C. GRCh37 (hg19) VCF-style: chr6-32035474-G-C.
Other names: c.7249C>G, p.Arg2417Gly (NM_001428335.1); c.6508C>G, p.Arg2170Gly (NM_019105.8); short protein forms R2170G, R2417G.
Identifiers: ClinVar variation 3227306 (VCV003227306.1), dbSNP rs184875282, ClinGen allele CA363398457.